The following is an entry in ClinVar:

NM_021008.4(DEAF1):c.451G>A (p.Val151Ile)

Gene: DEAF1 (DEAF1 transcription factor; minus strand). Cytogenetic location: 11p15.5.
Variant type: single nucleotide variant.
Coding change: c.451G>A on transcript NM_021008.4 (MANE Select); coding-DNA position 451, G replaced by A.
Protein change: p.Val151Ile; replaces valine 151 with isoleucine.
Molecular consequence: missense variant. On other transcripts: 5 prime UTR variant (1).
Genome position (GRCh38, 1-based): chr11:688,397, C>T on the plus strand (G>A on the coding strand, the complement: DEAF1 is on the minus strand). VCF-style: chr11-688397-C-T. GRCh37 (hg19) VCF-style: chr11-688397-C-T.
Other names: c.451G>A, p.Val151Ile (NM_001293634.2); c.-276G>A (NM_001367390.1); c.451G>A (NM_021008.3); short protein forms V151I.
Identifiers: ClinVar variation 2808747 (VCV002808747.4), dbSNP rs2494458539, ClinGen allele CA378935535.
Genomic context (GRCh38, chr11:688,397, plus strand): 5'-TGAGGGGAGCTGCCGGGCCTTTCAGCCCGGTGGTCTCCACGATGCTCCCATCTGTGTGGA[C>T]GACAATCAGTGTCGCTTTTTCGGTGTTCAGGCTGTCCCCGATCTGAAGGGCCGTCCTACC-3'
Protein context (NP_066288.2, residues 141-161): LNTEKATLIV[Val151Ile]HTDGSIVETT

ClinVar aggregate classification (germline): Uncertain significance. Review status: criteria provided, multiple submitters, no conflicts (2 of 4 stars). 2 submissions from 2 submitters: Uncertain significance (2). Last evaluated 2025-09-02.

Conditions:
DEAF1-related disorder.

Allele frequency attached by ClinVar (database versions not stated): gnomAD exomes below 0.00001.
gnomAD v4.1: 1 of 1,613,918 alleles (0.000062%); highest among the groups gnomAD compares: Non-Finnish European, 0.000085%; no homozygotes.

Submissions (2):

Labcorp Genetics (formerly Invitae), Labcorp
Classification: Uncertain significance. Last evaluated: 2025-09-02. Review status: criteria provided, single submitter. Criteria: Invitae Variant Classification Sherloc (09022015). Collection method: clinical testing. Allele origin: germline.
Comment: This sequence change replaces valine, which is neutral and non-polar, with isoleucine, which is neutral and non-polar, at codon 151 of the DEAF1 protein (p.Val151Ile). This variant is not present in population databases (gnomAD no frequency). This variant has not been reported in the literature in individuals affected with DEAF1-related conditions. ClinVar contains an entry for this variant (Variation ID: 2808747). Invitae Evidence Modeling of protein sequence and biophysical properties (such as structural, functional, and spatial information, amino acid conservation, physicochemical variation, residue mobility, and thermodynamic stability) has been performed for this missense variant. However, the output from this modeling did not meet the statistical confidence thresholds required to predict the impact of this variant on DEAF1 protein function. In summary, the available evidence is currently insufficient to determine the role of this variant in disease. Therefore, it has been classified as a Variant of Uncertain Significance.

PreventionGenetics, part of Exact Sciences
Classification: Uncertain significance for DEAF1-related condition. Last evaluated: 2024-10-16. Review status: criteria provided, single submitter. Criteria: ACMG Guidelines, 2015. Collection method: clinical testing. Allele origin: germline.
Comment: The DEAF1 c.451G>A variant is predicted to result in the amino acid substitution p.Val151Ile. To our knowledge, this variant has not been reported in the literature or in a large population database (gnomAD), indicating this variant is rare. At this time, the clinical significance of this variant is uncertain due to the absence of conclusive functional and genetic evidence.